The following is an entry in ClinVar:

ClinVar aggregate classification (germline): Uncertain significance. Review status: criteria provided, multiple submitters, no conflicts (2 of 4 stars). 2 submissions from 2 submitters: Uncertain significance (2). Last evaluated 2025-12-13.

Conditions:
Inborn genetic diseases. Identifiers: MedGen C0950123, MeSH D030342.

Allele frequency attached by ClinVar (database versions not stated): gnomAD 0.00001; gnomAD exomes 0.00001 and 0.00003; ExAC 0.00002; TOPMed 0.00005.
gnomAD v4.1: 19 of 1,612,720 alleles (0.0012%); highest among the groups gnomAD compares: East Asian, 0.0045%; no homozygotes.

Submissions (2):

Labcorp Genetics (formerly Invitae), Labcorp
Classification: Uncertain significance. Last evaluated: 2025-12-13. Review status: criteria provided, single submitter. Criteria: Invitae Variant Classification Sherloc (09022015). Collection method: clinical testing. Allele origin: germline.
Comment: This sequence change replaces valine, which is neutral and non-polar, with methionine, which is neutral and non-polar, at codon 330 of the CAPN5 protein (p.Val330Met). This variant is present in population databases (rs782459893, gnomAD 0.006%). This variant has not been reported in the literature in individuals affected with CAPN5-related conditions. ClinVar contains an entry for this variant (Variation ID: 1348834). Invitae Evidence Modeling of protein sequence and biophysical properties (such as structural, functional, and spatial information, amino acid conservation, physicochemical variation, residue mobility, and thermodynamic stability) indicates that this missense variant is not expected to disrupt CAPN5 protein function with a negative predictive value of 80%. In summary, the available evidence is currently insufficient to determine the role of this variant in disease. Therefore, it has been classified as a Variant of Uncertain Significance.

Ambry Genetics
Classification: Uncertain significance for Inborn genetic diseases. Last evaluated: 2025-06-18. Review status: criteria provided, single submitter. Criteria: Ambry Variant Classification Scheme 2023. Collection method: clinical testing. Allele origin: germline.

NM_004055.5(CAPN5):c.988G>A (p.Val330Met)

Gene: CAPN5 (calpain 5; plus strand). Cytogenetic location: 11q13.5.
Variant type: single nucleotide variant.
Coding change: c.988G>A on transcript NM_004055.5 (MANE Select); coding-DNA position 988, G replaced by A.
Protein change: p.Val330Met; replaces valine 330 with methionine.
Molecular consequence: missense variant.
Genome position (GRCh38, 1-based): chr11:77,118,173, G>A. VCF-style: chr11-77118173-G-A. GRCh37 (hg19) VCF-style: chr11-76829219-G-A.
Other names: c.988G>A (NM_004055.4); short protein forms V330M.
Identifiers: ClinVar variation 1348834 (VCV001348834.9), dbSNP rs782459893, ClinGen allele CA6196655.
Genomic context (GRCh38, chr11:77,118,173, plus strand): 5'-GAGGTGTGGGGGAGGTACCCTGCTCAGCCCCTCCCCACATCCAGGATGACCTTCGAGGAC[G>A]TGTGCCGGTACTTCACGGACATCATCAAGTGCCGCGTGATCAACACATCCCACCTGAGCA-3'
Protein context (NP_004046.2, residues 320-340): DGEFWMTFED[Val330Met]CRYFTDIIKC